The following is an entry in ClinVar:

ClinVar aggregate classification (germline): Uncertain significance (1 of 4 stars; one submission).

Conditions:
Tatton-Brown-Rahman overgrowth syndrome. Also called: Tall stature-intellectual disability-facial dysmorphism syndrome; Tatton-Brown-Rahman syndrome. Identifiers: Orphanet 404443, MedGen C4014545, MONDO:0014382, OMIM 615879.

Submission:

Labcorp Genetics (formerly Invitae), Labcorp
Classification: Uncertain significance for Tatton-Brown-Rahman overgrowth syndrome. Last evaluated: 2026-01-17. Review status: criteria provided, single submitter. Criteria: Invitae Variant Classification Sherloc (09022015). Collection method: clinical testing. Allele origin: germline.
Comment: This sequence change replaces methionine, which is neutral and non-polar, with leucine, which is neutral and non-polar, at codon 607 of the DNMT3A protein (p.Met607Leu). This variant is not present in population databases (gnomAD no frequency). This variant has not been reported in the literature in individuals affected with DNMT3A-related conditions. Invitae Evidence Modeling of protein sequence and biophysical properties (such as structural, functional, and spatial information, amino acid conservation, physicochemical variation, residue mobility, and thermodynamic stability) indicates that this missense variant is not expected to disrupt DNMT3A protein function with a negative predictive value of 95%. In summary, the available evidence is currently insufficient to determine the role of this variant in disease. Therefore, it has been classified as a Variant of Uncertain Significance.

NM_022552.5(DNMT3A):c.1819A>C (p.Met607Leu)

Gene: DNMT3A (DNA methyltransferase 3 alpha; minus strand). Cytogenetic location: 2p23.3.
Variant type: single nucleotide variant.
Coding change: c.1819A>C on transcript NM_022552.5 (MANE Select); coding-DNA position 1819, A replaced by C.
Protein change: p.Met607Leu; replaces methionine 607 with leucine.
Molecular consequence: missense variant. On other transcripts: non-coding transcript variant (1).
Genome position (GRCh38, 1-based): chr2:25,244,187, T>G on the plus strand (A>C on the coding strand, the complement: DNMT3A is on the minus strand). VCF-style: chr2-25244187-T-G. GRCh37 (hg19) VCF-style: chr2-25467056-T-G.
Other names: c.1819A>C, p.Met607Leu (NM_175629.2); c.1363A>C, p.Met455Leu (NM_001320893.1); c.1150A>C, p.Met384Leu (NM_001375819.1); c.1252A>C, p.Met418Leu (NM_153759.3); short protein forms M418L, M384L, M455L, M607L.
Identifiers: ClinVar variation 4709743 (VCV004709743.1).